The following is an entry in ClinVar:

NM_000368.5(TSC1):c.1561T>C (p.Ser521Pro)

Gene: TSC1 (TSC complex subunit 1; minus strand). Cytogenetic location: 9q34.13.
Variant type: single nucleotide variant.
Coding change: c.1561T>C on transcript NM_000368.5 (MANE Select); coding-DNA position 1561, T replaced by C.
Protein change: p.Ser521Pro; replaces serine 521 with proline.
Molecular consequence: missense variant.
Genome position (GRCh38, 1-based): chr9:132,906,017, A>G on the plus strand (T>C on the coding strand, the complement: TSC1 is on the minus strand). VCF-style: chr9-132906017-A-G. GRCh37 (hg19) VCF-style: chr9-135781404-A-G.
Other names: c.1558T>C, p.Ser520Pro (NM_001162426.2); c.1408T>C, p.Ser470Pro (NM_001162427.2); c.1198T>C, p.Ser400Pro (NM_001362177.2); short protein forms S470P, S521P, S400P, S520P.
Identifiers: ClinVar variation 853269 (VCV000853269.11), dbSNP rs1194627656, ClinGen allele CA375365089.
Genomic context (GRCh38, chr9:132,906,017, plus strand): 5'-CCAGGGAGGAGTGTAAAGGCTCAGGGTTCACGCTGGCGCCCTGAGAACTGGAGGCTGCCG[A>G]GTGGGTCTTCCGCTGAGAACCTGGGAGACTGTCTCGGTAAAAGGGAGAGTCAAAGCCTCC-3'
Protein context (NP_000359.1, residues 511-531): SLPGSQRKTH[Ser521Pro]AASSSQGASV

ClinVar aggregate classification (germline): Uncertain significance. Review status: criteria provided, multiple submitters, no conflicts (2 of 4 stars). 3 submissions from 3 submitters: Uncertain significance (3). Last evaluated 2025-09-30.

Conditions:
Hereditary cancer-predisposing syndrome. Also called: Neoplastic Syndromes, Hereditary; Hereditary Cancer Syndrome; Hereditary neoplastic syndrome; Tumor predisposition. Identifiers: Orphanet 140162, MedGen C0027672, MeSH D009386, MONDO:0015356.
Tuberous sclerosis 1 (TSC1). Identifiers: Orphanet 805, MedGen C1854465, MONDO:0008612, OMIM 191100.

Allele frequency attached by ClinVar (database versions not stated): TOPMed below 0.00001; gnomAD 0.00001.
gnomAD v4.1: 1 of 1,613,836 alleles (0.000062%); highest among the groups gnomAD compares: African/African-American, 0.0013%; no homozygotes.

Submissions (3):

Labcorp Genetics (formerly Invitae), Labcorp
Classification: Uncertain significance for Tuberous sclerosis 1. Last evaluated: 2025-09-30. Review status: criteria provided, single submitter. Criteria: Invitae Variant Classification Sherloc (09022015). Collection method: clinical testing. Allele origin: germline.
Comment: This sequence change replaces serine, which is neutral and polar, with proline, which is neutral and non-polar, at codon 521 of the TSC1 protein (p.Ser521Pro). This variant is not present in population databases (gnomAD no frequency). This variant has not been reported in the literature in individuals affected with TSC1-related conditions. ClinVar contains an entry for this variant (Variation ID: 853269). Invitae Evidence Modeling of protein sequence and biophysical properties (such as structural, functional, and spatial information, amino acid conservation, physicochemical variation, residue mobility, and thermodynamic stability) indicates that this missense variant is not expected to disrupt TSC1 protein function with a negative predictive value of 95%. In summary, the available evidence is currently insufficient to determine the role of this variant in disease. Therefore, it has been classified as a Variant of Uncertain Significance.

ARUP Laboratories, Molecular Genetics and Genomics, ARUP Laboratories
Classification: Uncertain significance. Last evaluated: 2025-06-19. Review status: criteria provided, single submitter. Criteria: ARUP Molecular Germline Variant Investigation Process 2024. Collection method: clinical testing. Allele origin: germline.
Comment: The TSC1 c.1561T>C; p.Ser521Pro variant (rs1194627656), to our knowledge, is not reported in the medical literature but is reported in ClinVar (Variation ID: 853269). This variant is absent from the Genome Aggregation Database (v2.1.1), indicating it is not a common polymorphism. Computational analyses are uncertain whether this variant is neutral or deleterious (REVEL: 0.415). Due to limited information, the clinical significance of this variant is uncertain at this time.

Ambry Genetics
Classification: Uncertain significance for Hereditary cancer-predisposing syndrome. Last evaluated: 2024-05-25. Review status: criteria provided, single submitter. Criteria: Ambry Variant Classification Scheme 2023. Collection method: clinical testing. Allele origin: germline.
Comment: The p.S521P variant (also known as c.1561T>C), located in coding exon 13 of the TSC1 gene, results from a T to C substitution at nucleotide position 1561. The serine at codon 521 is replaced by proline, an amino acid with similar properties. This amino acid position is conserved. In addition, the in silico prediction for this alteration is inconclusive. Based on the available evidence, the clinical significance of this variant remains unclear.